The following is an entry in ClinVar:

NC_012920.1(MT-CYB):m.14751C>T

Gene: MT-CYB (mitochondrially encoded cytochrome b; plus strand).
Variant type: single nucleotide variant.
Genome position: chrM-14751-C-T.
Identifiers: ClinVar variation 693756 (VCV000693756.1), dbSNP rs1603224855, ClinGen allele CA913171988.

ClinVar aggregate classification (germline): Benign (1 of 4 stars; one submission).

Conditions:
Leigh syndrome (NULS). Also called: Leigh's necrotizing encephalopathy; Leigh's disease; Leigh's syndrome; LEIGH SYNDROME, NUCLEAR; Leigh Syndrome (mtDNA deletion); Leigh Disease. Identifiers: Orphanet 506, MedGen C2931891, MONDO:0009723, OMIM 256000.

Submission:

Wong Mito Lab, Molecular and Human Genetics, Baylor College of Medicine
Classification: Benign for Leigh syndrome. Last evaluated: 2019-10-17. Review status: criteria provided, single submitter. Criteria: Modified ACMG Guidelines (Unpublished). Collection method: clinical testing. Allele origin: germline.
Comment: The NC_012920.1:m.14751C>T (YP_003024038.1:p.Thr2Ile) variant in MTCYB gene is interpretated to be a Benign variant based on the modified ACMG guidelines (unpublished). This variant meets the following evidence codes: BS1, BS2, BP4